The following is an entry in ClinVar:

NM_005502.4(ABCA1):c.2649A>G (p.Ile883Met)

Gene: ABCA1 (ATP binding cassette subfamily A member 1; minus strand). Cytogenetic location: 9q31.1.
Variant type: single nucleotide variant.
Coding change: c.2649A>G on transcript NM_005502.4 (MANE Select); coding-DNA position 2649, A replaced by G.
Protein change: p.Ile883Met; replaces isoleucine 883 with methionine.
Molecular consequence: missense variant.
Genome position (GRCh38, 1-based): chr9:104,824,472, T>C on the plus strand (A>G on the coding strand, the complement: ABCA1 is on the minus strand). VCF-style: chr9-104824472-T-C. GRCh37 (hg19) VCF-style: chr9-107586753-T-C.
Other names: short protein forms I883M.
Identifiers: ClinVar variation 364426 (VCV000364426.22), dbSNP rs2066714, ClinGen allele CA5168681.

ClinVar aggregate classification (germline): Benign. Review status: criteria provided, multiple submitters, no conflicts (2 of 4 stars). 9 submissions from 8 submitters: Benign (7). 2 of the submissions do not count toward it. Last evaluated 2026-02-04.

Conditions:
Hypoalphalipoproteinemia, primary, 1. Identifiers: Orphanet 425, MedGen C5231558, MONDO:0011393, OMIM 604091.
Cardiovascular phenotype. Identifiers: MedGen CN230736.
Tangier disease (TGD). Also called: HIGH DENSITY LIPOPROTEIN DEFICIENCY, TANGIER TYPE; HIGH DENSITY LIPOPROTEIN DEFICIENCY, TYPE 1; Cholesterol thesaurismosis. Identifiers: Orphanet 31150, MedGen C0039292, MONDO:0008783, OMIM 205400.

Allele frequency attached by ClinVar (database versions not stated): gnomAD exomes 0.15650 and 0.21135; ExAC 0.21330; ESP Exome Variant Server 0.24596; gnomAD 0.25525 and 0.25557; TOPMed 0.28053; 1000 Genomes Project 0.35683; 1000 Genomes Project 30x 0.35790.
gnomAD v4.1: 269,624 of 1,613,862 alleles (17%); highest among the groups gnomAD compares: East Asian, 67%; 33,696 homozygotes.

Submissions (11):

Labcorp Genetics (formerly Invitae), Labcorp
Classification: Benign. Last evaluated: 2026-02-04. Review status: criteria provided, single submitter. Criteria: Invitae Variant Classification Sherloc (09022015). Collection method: clinical testing. Allele origin: germline.

Ambry Genetics
Classification: Benign for Cardiovascular phenotype. Last evaluated: 2019-03-20. Review status: criteria provided, single submitter. Criteria: Ambry Variant Classification Scheme 2023. Collection method: clinical testing. Allele origin: germline.

GeneDx
Classification: Benign. Last evaluated: 2018-09-21. Review status: criteria provided, single submitter. Criteria: GeneDx Variant Classification Process June 2021. Collection method: clinical testing. Allele origin: germline. Affected: yes.
Comment: This variant is associated with the following publications: (PMID: 24466114, 31006134, 26243156, 27884173, 10431237, 21300560, 11238261, 17951323, 17923263)

Mayo Clinic Laboratories, Mayo Clinic
Classification: Benign. Last evaluated: 2017-07-24. Review status: criteria provided, single submitter. Criteria: ACMG Guidelines, 2015. Collection method: clinical testing. Allele origin: germline. Observed: 376 variant alleles.

Illumina Laboratory Services, Illumina
Classification: Benign for Hypoalphalipoproteinemia, primary, 1. Last evaluated: 2017-04-27. Review status: criteria provided, single submitter. Criteria: ICSL Variant Classification Criteria 13 December 2019. Collection method: clinical testing. Allele origin: germline.
Comment: This variant was observed as part of a predisposition screen in an ostensibly healthy population. A literature search was performed for the gene, cDNA change, and amino acid change (where applicable). No publications were found based on this search. Allele frequency data from public databases was too high to be consistent with this variant causing disease. Therefore, this variant is classified as benign.

Illumina Laboratory Services, Illumina
Classification: Benign for Tangier disease. Last evaluated: 2017-04-27. Review status: criteria provided, single submitter. Criteria: ICSL Variant Classification Criteria 13 December 2019. Collection method: clinical testing. Allele origin: germline.
Comment: This variant was observed as part of a predisposition screen in an ostensibly healthy population. A literature search was performed for the gene, cDNA change, and amino acid change (where applicable). Publications were found based on this search. The evidence from the literature, in combination with allele frequency data from public databases where available, was sufficient to rule this variant out of causing disease. Therefore, this variant is classified as benign.

Breakthrough Genomics
Classification: Benign. Review status: criteria provided, single submitter. Criteria: ACMG Guidelines, 2015. Collection method: not provided. Allele origin: germline. Inheritance: Autosomal recessive inheritance. Affected: yes.

Clinical Genetics, Academic Medical Center
Classification: Benign. Review status: no assertion criteria provided. Collection method: clinical testing. Allele origin: germline. Affected: yes. Study: VKGL Data-share Consensus. Not counted in ClinVar's aggregate classification.

Diagnostic Laboratory, Department of Genetics, University Medical Center Groningen
Classification: Benign. Review status: no assertion criteria provided. Collection method: clinical testing. Allele origin: germline. Affected: yes. Study: VKGL Data-share Consensus. Not counted in ClinVar's aggregate classification.

Dr. Peter K. Rogan Lab, Western University
No classification provided (evidence only). Condition: Cholangiocarcinoma. Review status: no classification provided. Collection method: in vitro. Allele origin: not applicable. Functional consequence: retained intron. Not counted in ClinVar's aggregate classification.

Dr. Peter K. Rogan Lab, Western University
No classification provided (evidence only). Condition: Uterine carcinosarcoma. Review status: no classification provided. Collection method: in vitro. Allele origin: not applicable. Functional consequence: retained intron. Not counted in ClinVar's aggregate classification.

Literature cited by the submitters: PubMed 10431237 (cited by Illumina Laboratory Services, Illumina); PubMed 16429166 (cited by Illumina Laboratory Services, Illumina).